The following is an entry in ClinVar:

ClinVar aggregate classification (germline): Uncertain significance (1 of 4 stars; one submission).

Conditions:
Inborn genetic diseases. Identifiers: MedGen C0950123, MeSH D030342.

Submission:

Ambry Genetics
Classification: Uncertain significance for Inborn genetic diseases. Last evaluated: 2026-03-07. Review status: criteria provided, single submitter. Criteria: Ambry Variant Classification Scheme 2023. Collection method: clinical testing. Allele origin: germline.
Comment: The p.S870F variant (also known as c.2609C>T), located in coding exon 18 of the MIB1 gene, results from a C to T substitution at nucleotide position 2609. The serine at codon 870 is replaced by phenylalanine, an amino acid with highly dissimilar properties. This amino acid position is conserved. In addition, this alteration is predicted to be deleterious by in silico analysis. Based on the available evidence, the clinical significance of this variant remains unclear.

NM_020774.4(MIB1):c.2609C>T (p.Ser870Phe)

Gene: MIB1 (MIB E3 ubiquitin protein ligase 1; plus strand). Cytogenetic location: 18q11.2.
Variant type: single nucleotide variant.
Coding change: c.2609C>T on transcript NM_020774.4 (MANE Select); coding-DNA position 2609, C replaced by T.
Protein change: p.Ser870Phe; replaces serine 870 with phenylalanine.
Molecular consequence: missense variant.
Genome position (GRCh38, 1-based): chr18:21,853,162, C>T. VCF-style: chr18-21853162-C-T. GRCh37 (hg19) VCF-style: chr18-19433123-C-T.
Other names: short protein forms S870F.
Identifiers: ClinVar variation 4826104 (VCV004826104.1).